The following is an entry in ClinVar:

NM_001267550.2(TTN):c.71974G>C (p.Asp23992His)

Genes: TTN-AS1 (TTN antisense RNA 1; plus strand), TTN (titin; minus strand). Cytogenetic location: 2q31.2.
Variant type: single nucleotide variant.
Coding change: c.71974G>C on transcript NM_001267550.2 (MANE Select); coding-DNA position 71974, G replaced by C.
Protein change: p.Asp23992His; replaces aspartic acid 23992 with histidine.
Molecular consequence: missense variant.
Genome position (GRCh38, 1-based): chr2:178,574,158, C>G on the plus strand (G>C on the coding strand, the complement: TTN is on the minus strand). VCF-style: chr2-178574158-C-G. GRCh37 (hg19) VCF-style: chr2-179438885-C-G.
Other names: c.67051G>C, p.Asp22351His (NM_001256850.1); c.44779G>C, p.Asp14927His (NM_003319.4); c.64270G>C, p.Asp21424His (NM_133378.4); c.45154G>C, p.Asp15052His (NM_133432.3); c.45355G>C, p.Asp15119His (NM_133437.4); short protein forms D15119H, D14927H, D22351H, D15052H, D21424H, D23992H.
Identifiers: ClinVar variation 1740858 (VCV001740858.2), dbSNP rs775852603, ClinGen allele CA349649199.

ClinVar aggregate classification (germline): Uncertain significance (1 of 4 stars; one submission).

Conditions:
Cardiovascular phenotype. Identifiers: MedGen CN230736.

Submission:

Ambry Genetics
Classification: Uncertain significance for Cardiovascular phenotype. Last evaluated: 2020-02-14. Review status: criteria provided, single submitter. Criteria: Ambry Variant Classification Scheme 2023. Collection method: clinical testing. Allele origin: germline.
Comment: The p.D14927H variant (also known as c.44779G>C), located in coding exon 153 of the TTN gene, results from a G to C substitution at nucleotide position 44779. The aspartic acid at codon 14927 is replaced by histidine, an amino acid with similar properties. This amino acid position is well conserved in available vertebrate species. In addition, this alteration is predicted to be tolerated by in silico analysis. Since supporting evidence is limited at this time, the clinical significance of this alteration remains unclear.